The following is an entry in ClinVar:

ClinVar aggregate classification (germline): Uncertain significance. Review status: criteria provided, multiple submitters, no conflicts (2 of 4 stars). 3 submissions from 3 submitters: Uncertain significance (3). Last evaluated 2025-08-04.

Conditions:
Inborn genetic diseases. Identifiers: MedGen C0950123, MeSH D030342.
Developmental and epileptic encephalopathy, 12 (DEE12). Identifiers: MedGen C3150988, MONDO:0013389, OMIM 613722.

Allele frequency attached by ClinVar (database versions not stated): TOPMed 0.00002.

Submissions (3):

GeneDx
Classification: Uncertain significance. Last evaluated: 2025-08-04. Review status: criteria provided, single submitter. Criteria: GeneDx Variant Classification Process June 2021. Collection method: clinical testing. Allele origin: germline. Affected: yes.
Comment: Not observed at significant frequency in large population cohorts (gnomAD); In silico analysis suggests that this missense variant does not alter protein structure/function; Has not been previously published as pathogenic or benign to our knowledge

Labcorp Genetics (formerly Invitae), Labcorp
Classification: Uncertain significance for Developmental and epileptic encephalopathy, 12. Last evaluated: 2023-08-04. Review status: criteria provided, single submitter. Criteria: Invitae Variant Classification Sherloc (09022015). Collection method: clinical testing. Allele origin: germline.
Comment: Algorithms developed to predict the effect of missense changes on protein structure and function output the following: SIFT: "Not Available"; PolyPhen-2: "Benign"; Align-GVGD: "Not Available". The valine amino acid residue is found in multiple mammalian species, which suggests that this missense change does not adversely affect protein function. ClinVar contains an entry for this variant (Variation ID: 657211). This variant has not been reported in the literature in individuals affected with PLCB1-related conditions. This sequence change replaces alanine, which is neutral and non-polar, with valine, which is neutral and non-polar, at codon 1182 of the PLCB1 protein (p.Ala1182Val). This variant is not present in population databases (gnomAD no frequency). In summary, the available evidence is currently insufficient to determine the role of this variant in disease. Therefore, it has been classified as a Variant of Uncertain Significance.

Ambry Genetics
Classification: Uncertain significance for Inborn genetic diseases. Last evaluated: 2021-07-06. Review status: criteria provided, single submitter. Criteria: Ambry Variant Classification Scheme 2023. Collection method: clinical testing. Allele origin: germline.

NM_015192.4(PLCB1):c.3545C>T (p.Ala1182Val)

Gene: PLCB1 (phospholipase C beta 1; plus strand). Cytogenetic location: 20p12.3.
Variant type: single nucleotide variant.
Coding change: c.3545C>T on transcript NM_015192.4 (MANE Select); coding-DNA position 3545, C replaced by T.
Protein change: p.Ala1182Val; replaces alanine 1182 with valine.
Molecular consequence: missense variant. On other transcripts: 3 prime UTR variant (1).
Genome position (GRCh38, 1-based): chr20:8,881,743, C>T. VCF-style: chr20-8881743-C-T. GRCh37 (hg19) VCF-style: chr20-8862390-C-T.
Other names: c.*141C>T (NM_182734.3); c.3545C>T (NM_015192.2); short protein forms A1182V.
Identifiers: ClinVar variation 657211 (VCV000657211.8), dbSNP rs1028186212, ClinGen allele CA311686072.